The following is an entry in ClinVar:

NM_001198950.3(MYO16):c.5064G>A (p.Arg1688=)

Gene: MYO16 (myosin XVI; plus strand). Cytogenetic location: 13q33.3.
Variant type: single nucleotide variant.
Coding change: c.5064G>A on transcript NM_001198950.3 (MANE Select); coding-DNA position 5064, G replaced by A.
Protein change: p.Arg1688=; no amino-acid change (arginine 1688 retained).
Molecular consequence: synonymous variant.
Genome position (GRCh38, 1-based): chr13:109,141,276, G>A. VCF-style: chr13-109141276-G-A. GRCh37 (hg19) VCF-style: chr13-109793624-G-A.
Other names: c.4998G>A, p.Arg1666= (NM_015011.3).
Identifiers: ClinVar variation 778730 (VCV000778730.7), dbSNP rs116208048, ClinGen allele CA7045837.

ClinVar aggregate classification (germline): Benign. Review status: criteria provided, multiple submitters, no conflicts (2 of 4 stars). 3 submissions from 3 submitters: Benign (2). 1 of the submissions does not count toward it. Last evaluated 2019-12-31.

Conditions:
MYO16-related disorder. Also called: MYO16-related condition.

Allele frequency attached by ClinVar (database versions not stated): gnomAD exomes 0.00093 and 0.00219; ExAC 0.00322; gnomAD 0.00924 and 0.00984; TOPMed 0.01032; ESP Exome Variant Server 0.01094; 1000 Genomes Project 0.01358; 1000 Genomes Project 30x 0.01390.
gnomAD v4.1: 2,829 of 1,600,908 alleles (0.18%); highest among the groups gnomAD compares: African/African-American, 3.4%; 40 homozygotes.

Submissions (3):

Labcorp Genetics (formerly Invitae), Labcorp
Classification: Benign. Last evaluated: 2019-12-31. Review status: criteria provided, single submitter. Criteria: Invitae Variant Classification Sherloc (09022015). Collection method: clinical testing. Allele origin: germline.

Breakthrough Genomics
Classification: Benign. Review status: criteria provided, single submitter. Criteria: ACMG Guidelines, 2015. Collection method: not provided. Allele origin: germline. Inheritance: Unknown mechanism. Affected: yes.

PreventionGenetics, part of Exact Sciences
Classification: Benign for MYO16-related condition. Last evaluated: 2019-03-08. Review status: no assertion criteria provided. Collection method: clinical testing. Allele origin: germline. Not counted in ClinVar's aggregate classification.
Comment: This variant is classified as benign based on ACMG/AMP sequence variant interpretation guidelines (Richards et al. 2015 PMID: 25741868, with internal and published modifications).